The following is an entry in ClinVar:

ClinVar aggregate classification (germline): Uncertain significance (1 of 4 stars; one submission).

Conditions:
Hereditary cancer-predisposing syndrome. Also called: Neoplastic Syndromes, Hereditary; Tumor predisposition; Hereditary neoplastic syndrome; Hereditary Cancer Syndrome. Identifiers: Orphanet 140162, MedGen C0027672, MeSH D009386, MONDO:0015356.

Submission:

Ambry Genetics
Classification: Uncertain significance for Hereditary cancer-predisposing syndrome. Last evaluated: 2024-04-01. Review status: criteria provided, single submitter. Criteria: Ambry Variant Classification Scheme 2023. Collection method: clinical testing. Allele origin: germline.
Comment: The p.P32Q variant (also known as c.95C>A), located in coding exon 1 of the SUFU gene, results from a C to A substitution at nucleotide position 95. The proline at codon 32 is replaced by glutamine, an amino acid with similar properties. This amino acid position is conserved. In addition, the in silico prediction for this alteration is inconclusive. Based on the available evidence, the clinical significance of this alteration remains unclear.

NM_016169.4(SUFU):c.95C>A (p.Pro32Gln)

Genes: SUFU (SUFU negative regulator of hedgehog signaling; plus strand), LOC130004614 (ATAC-STARR-seq lymphoblastoid silent region 2764; plus strand). Cytogenetic location: 10q24.32.
Variant type: single nucleotide variant.
Coding change: c.95C>A on transcript NM_016169.4 (MANE Select); coding-DNA position 95, C replaced by A.
Protein change: p.Pro32Gln; replaces proline 32 with glutamine.
Molecular consequence: missense variant.
Genome position (GRCh38, 1-based): chr10:102,504,247, C>A. VCF-style: chr10-102504247-C-A. GRCh37 (hg19) VCF-style: chr10-104264004-C-A.
Other names: c.95C>A, p.Pro32Gln (NM_001178133.2); short protein forms P32Q.
Identifiers: ClinVar variation 3323541 (VCV003323541.1).